The following is an entry in ClinVar:

NM_153002.3(GPR156):c.1615_1618delinsCTGG (p.Ser539_Arg540delinsLeuGly)

Gene: GPR156 (G protein-coupled receptor 156; minus strand). Cytogenetic location: 3q13.33.
Variant type: Indel.
Coding change: c.1615_1618delinsCTGG on transcript NM_153002.3 (MANE Select); coding-DNA positions 1615 to 1618, TCAC replaced by CTGG.
Protein change: p.Ser539_Arg540delinsLeuGly.
Molecular consequence: missense variant.
Genome position (GRCh38, 1-based): chr3:120,167,859-120,167,862, GTGA replaced by CCAG on the plus strand (TCAC replaced by CTGG on the coding strand, the reverse complement: GPR156 is on the minus strand). VCF-style: chr3-120167859-GTGA-CCAG. GRCh37 (hg19) VCF-style: chr3-119886706-GTGA-CCAG.
Other names: c.1603_1606delinsCTGG, p.Ser535_Arg536delinsLeuGly (NM_001168271.2).
Identifiers: ClinVar variation 4994123 (VCV004994123.1).

ClinVar aggregate classification (germline): Uncertain significance (1 of 4 stars; one submission).

Conditions:
GPR156-related disorder. Also called: GPR156-related condition.

Submission:

PreventionGenetics, part of Exact Sciences
Classification: Uncertain significance for GPR156-related condition. Last evaluated: 2025-12-12. Review status: criteria provided, single submitter. Criteria: ACMG Guidelines, 2015. Collection method: clinical testing. Allele origin: germline.
Comment: The GPR156 c.1615_1618delinsCTGG variant is predicted to result in an in-frame deletion and insertion. To our knowledge, this variant has not been reported in the literature or in a large population database (gnomAD), indicating this variant is rare. At this time, the clinical significance of this variant is uncertain due to the absence of conclusive functional and genetic evidence.